The following is an entry in ClinVar:

ClinVar aggregate classification (germline): Pathogenic (1 of 4 stars; one submission).

Conditions:
Combined immunodeficiency due to DOCK8 deficiency (HIES2). Also called: HIES autosomal recessive; Hyper-IgE recurrent infection syndrome, autosomal recessive; HYPER-IgE SYNDROME 2, AUTOSOMAL RECESSIVE, WITH RECURRENT INFECTIONS; HYPER-IgE RECURRENT INFECTION SYNDROME 2, AUTOSOMAL RECESSIVE; DOCK8 Deficiency. Identifiers: Orphanet 217390, MedGen C4722305, MONDO:0009478, OMIM 243700.

Submission:

Labcorp Genetics (formerly Invitae), Labcorp
Classification: Pathogenic for Combined immunodeficiency due to DOCK8 deficiency. Last evaluated: 2022-08-22. Review status: criteria provided, single submitter. Criteria: Invitae Variant Classification Sherloc (09022015). Collection method: clinical testing. Allele origin: germline.
Comment: For these reasons, this variant has been classified as Pathogenic. This variant has not been reported in the literature in individuals affected with DOCK8-related conditions. This variant is not present in population databases (gnomAD no frequency). This sequence change creates a premature translational stop signal (p.Arg499Serfs*26) in the DOCK8 gene. It is expected to result in an absent or disrupted protein product. Loss-of-function variants in DOCK8 are known to be pathogenic (PMID: 14722525, 19776401).

Literature cited by the submitters: PubMed 14722525; PubMed 19776401.

NM_203447.4(DOCK8):c.1497_1501del (p.Arg499fs)

Gene: DOCK8 (dedicator of cytokinesis 8; plus strand). Cytogenetic location: 9p24.3.
Variant type: Deletion.
Coding change: c.1497_1501del on transcript NM_203447.4 (MANE Select); coding-DNA positions 1497 to 1501, 5 bases deleted (ACGAG; older notation c.1497_1501delACGAG).
Protein change: p.Arg499fs; shifts the reading frame from arginine 499.
Molecular consequence: frameshift variant.
Genome position (GRCh38, 1-based): chr9:339,080-339,084, ACGAG deleted; deleting any 5 consecutive bases within chr9:339,077-339,084 gives the same sequence; the c. name uses the placement nearest the transcript's 3' end. VCF-style (leftmost placement, unchanged base first): chr9-339076-AGAGAC-A. GRCh37 (hg19) VCF-style: chr9-339076-AGAGAC-A.
Other names: c.1293_1297del, p.Arg431fs (NM_001190458.2, NM_001193536.2); short protein forms R431fs, R499fs.
Identifiers: ClinVar variation 2043664 (VCV002043664.4), dbSNP rs2538013301, ClinGen allele CA463682223.